The following is an entry in ClinVar:

ClinVar aggregate classification (germline): Likely pathogenic (1 of 4 stars; one submission).

Conditions:
Neurodevelopmental disorder with dysmorphic facies and distal limb anomalies. Identifiers: Orphanet 686482, MedGen C4540327, MONDO:0060596, OMIM 617755.

Submission:

Laboratorio de Genetica e Diagnostico Molecular, Hospital Israelita Albert Einstein
Classification: Likely pathogenic for Neurodevelopmental disorder with dysmorphic facies and distal limb anomalies. Last evaluated: 2023-06-19. Review status: criteria provided, single submitter. Criteria: ACMG Guidelines, 2015. Collection method: clinical testing. Allele origin: germline. Affected: yes.
Comment: ACMG classification criteria: PVS1 very strong, PM2 moderate

NM_182641.4(BPTF):c.5986C>T (p.Gln1996Ter)

Gene: BPTF (bromodomain PHD finger transcription factor; plus strand). Cytogenetic location: 17q24.2.
Variant type: single nucleotide variant.
Coding change: c.5986C>T on transcript NM_182641.4 (MANE Select); coding-DNA position 5986, C replaced by T.
Protein change: p.Gln1996Ter; replaces glutamine 1996 with a stop codon.
Molecular consequence: nonsense.
Genome position (GRCh38, 1-based): chr17:67,928,589, C>T. VCF-style: chr17-67928589-C-T. GRCh37 (hg19) VCF-style: chr17-65924705-C-T.
Other names: c.6364C>T, p.Gln2122Ter (NM_004459.7); short protein forms Q1996*, Q2122*.
Identifiers: ClinVar variation 3901952 (VCV003901952.1).
Genomic context (GRCh38, chr17:67,928,589, plus strand): 5'-GTAACATTCCAACAAAACAAGAACTTTCATCAAACCTTTGCTACATGGGTTAAGCAAGGC[C>T]AGTCAAATTCAGGTATGGAACTATCATTAAGTAAAAGATTACTTTGGTTCAGGAAAAAGA-3'